The following is an entry in ClinVar:

NM_000059.4(BRCA2):c.2633A>T (p.Asp878Val)

Gene: BRCA2 (BRCA2 DNA repair associated; plus strand). Cytogenetic location: 13q13.1.
Variant type: single nucleotide variant.
Coding change: c.2633A>T on transcript NM_000059.4 (MANE Select); coding-DNA position 2633, A replaced by T.
Protein change: p.Asp878Val; replaces aspartic acid 878 with valine.
Molecular consequence: missense variant.
Genome position (GRCh38, 1-based): chr13:32,336,988, A>T. VCF-style: chr13-32336988-A-T. GRCh37 (hg19) VCF-style: chr13-32911125-A-T.
Other names: short protein forms D878V.
Identifiers: ClinVar variation 633121 (VCV000633121.31), dbSNP rs765618026, ClinGen allele CA6940617.

ClinVar aggregate classification (germline): Conflicting classifications of pathogenicity. Review status: criteria provided, conflicting classifications (1 of 4 stars). 4 submissions from 4 submitters: Uncertain significance (3); Likely benign (1). Last evaluated 2024-11-29.

Conditions:
Hereditary cancer-predisposing syndrome. Also called: Neoplastic Syndromes, Hereditary; Hereditary Cancer Syndrome; Tumor predisposition; Hereditary neoplastic syndrome. Identifiers: Orphanet 140162, MedGen C0027672, MeSH D009386, MONDO:0015356.
Hereditary breast ovarian cancer syndrome. Also called: Hereditary breast and ovarian cancer syndrome; Hereditary breast and ovarian cancer syndrome (HBOC); Hereditary breast and ovarian cancer; Hereditary breast and/or ovarian cancer syndrome; Breast and ovarian cancer; BRCA1- and BRCA2-Associated Hereditary Breast and Ovarian Cancer. Identifiers: Orphanet 145, MedGen C0677776, MeSH D061325, MONDO:0003582. Disease mechanism: loss of function.

Allele frequency attached by ClinVar (database versions not stated): gnomAD exomes 0.00001; ExAC 0.00002.
gnomAD v4.1: 8 of 1,585,630 alleles (0.0005%); highest among the groups gnomAD compares: South Asian, 0.0094%; no homozygotes.

Submissions (4):

Labcorp Genetics (formerly Invitae), Labcorp
Classification: Uncertain significance for Hereditary breast ovarian cancer syndrome. Last evaluated: 2024-11-29. Review status: criteria provided, single submitter. Criteria: Invitae Variant Classification Sherloc (09022015). Collection method: clinical testing. Allele origin: germline.
Comment: This sequence change replaces aspartic acid, which is acidic and polar, with valine, which is neutral and non-polar, at codon 878 of the BRCA2 protein (p.Asp878Val). This variant is present in population databases (rs765618026, gnomAD 0.008%). This variant has not been reported in the literature in individuals affected with BRCA2-related conditions. ClinVar contains an entry for this variant (Variation ID: 633121). Invitae Evidence Modeling of protein sequence and biophysical properties (such as structural, functional, and spatial information, amino acid conservation, physicochemical variation, residue mobility, and thermodynamic stability) indicates that this missense variant is not expected to disrupt BRCA2 protein function with a negative predictive value of 95%. In summary, the available evidence is currently insufficient to determine the role of this variant in disease. Therefore, it has been classified as a Variant of Uncertain Significance.

CeGaT Center for Human Genetics Tuebingen
Classification: Uncertain significance. Last evaluated: 2024-05-01. Review status: criteria provided, single submitter. Criteria: CeGaT Center For Human Genetics Tuebingen Variant Classification Criteria Version 2. Collection method: clinical testing. Allele origin: germline. Affected: yes. Observed: 1 variant allele.
Comment: BRCA2: PM2, BP4

University of Washington Department of Laboratory Medicine, University of Washington
Classification: Likely benign for Hereditary cancer-predisposing syndrome. Last evaluated: 2023-03-23. Review status: criteria provided, single submitter. Criteria: Dines et al. (Genet Med. 2020). Collection method: curation. Allele origin: germline.
Comment: Missense variant in a coldspot region where missense variants are very unlikely to be pathogenic (PMID:31911673).

BRCA2 exon 11 coldspot. Reclassification based on statistical prior probability.

Women's Health and Genetics/Laboratory Corporation of America, LabCorp
Classification: Uncertain significance. Last evaluated: 2018-05-21. Review status: criteria provided, single submitter. Criteria: LabCorp Variant Classification Summary - May 2015. Collection method: clinical testing. Allele origin: germline.
Comment: Variant summary: BRCA2 c.2633A>T (p.Asp878Val) results in a non-conservative amino acid change in the encoded protein sequence. Three of five in-silico tools predict a benign effect of the variant on protein function. The variant allele was found at a frequency of 9e-06 in 221836 control chromosomes. This frequency is not higher than expected for a pathogenic variant in BRCA2 causing Hereditary Breast and Ovarian Cancer (9e-06 vs 0.00075), allowing no conclusion about variant significance. To our knowledge, no occurrence of c.2633A>T in individuals affected with Hereditary Breast and Ovarian Cancer and no experimental evidence demonstrating its impact on protein function have been reported. No clinical diagnostic laboratories have submitted clinical-significance assessments for this variant to ClinVar after 2014. Based on the evidence outlined above, the variant was classified as uncertain significance.

Literature cited by the submitters: PubMed 23929434 (cited by Women's Health and Genetics/Laboratory Corporation of America, LabCorp).